The following is an entry in ClinVar:

NM_006939.4(SOS2):c.3387C>A (p.Phe1129Leu)

Gene: SOS2 (SOS Ras/Rho guanine nucleotide exchange factor 2; minus strand). Cytogenetic location: 14q21.3.
Variant type: single nucleotide variant.
Coding change: c.3387C>A on transcript NM_006939.4 (MANE Select); coding-DNA position 3387, C replaced by A.
Protein change: p.Phe1129Leu; replaces phenylalanine 1129 with leucine.
Molecular consequence: missense variant.
Genome position (GRCh38, 1-based): chr14:50,120,377, G>T on the plus strand (C>A on the coding strand, the complement: SOS2 is on the minus strand). VCF-style: chr14-50120377-G-T. GRCh37 (hg19) VCF-style: chr14-50587095-G-T.
Other names: c.3288C>A, p.Phe1096Leu (NM_001411020.1); short protein forms F1129L, F1096L.
Identifiers: ClinVar variation 4769683 (VCV004769683.1).

ClinVar aggregate classification (germline): Uncertain significance (1 of 4 stars; one submission).

Conditions:
Noonan syndrome 9 (NS9). Identifiers: Orphanet 648, MedGen C4225282, MONDO:0014691, OMIM 616559.

Submission:

Labcorp Genetics (formerly Invitae), Labcorp
Classification: Uncertain significance for Noonan syndrome 9. Last evaluated: 2025-11-09. Review status: criteria provided, single submitter. Criteria: Invitae Variant Classification Sherloc (09022015). Collection method: clinical testing. Allele origin: germline.
Comment: This sequence change replaces phenylalanine, which is neutral and non-polar, with leucine, which is neutral and non-polar, at codon 1129 of the SOS2 protein (p.Phe1129Leu). This variant is not present in population databases (gnomAD no frequency). This variant has not been reported in the literature in individuals affected with SOS2-related conditions. Invitae Evidence Modeling of protein sequence and biophysical properties (such as structural, functional, and spatial information, amino acid conservation, physicochemical variation, residue mobility, and thermodynamic stability) indicates that this missense variant is not expected to disrupt SOS2 protein function with a negative predictive value of 95%. In summary, the available evidence is currently insufficient to determine the role of this variant in disease. Therefore, it has been classified as a Variant of Uncertain Significance.